The following is an entry in ClinVar:

ClinVar aggregate classification (germline): not provided (0 of 4 stars; one submission).

Conditions:
Premature ovarian failure 1 (POF1). Also called: FMR1 Primary Ovarian Insufficiency (FXPOI); HYPERGONADOTROPIC OVARIAN FAILURE, X-LINKED; PREMATURE OVARIAN FAILURE, X-LINKED; Fragile x premature ovarian failure; Primary ovarian insufficiency, fragile X-associated; FMR1-Related Primary Ovarian Insufficiency. Identifiers: Orphanet 642691, MedGen C4552079, MONDO:0010706, OMIM 311360.

Submission:

Rajkovic Lab, University of Pittsburgh
No classification provided. Condition: Premature ovarian failure 1. Review status: no classification provided. Collection method: not provided. Allele origin: unknown.
ClinVar note: Converted during submission from untested to not provided.

NM_017696.3(MCM9):c.1533C>A (p.Tyr511Ter)

Gene: MCM9 (minichromosome maintenance 9 homologous recombination repair factor; minus strand). Cytogenetic location: 6q22.31.
Variant type: single nucleotide variant.
Coding change: c.1533C>A on transcript NM_017696.3 (MANE Select); coding-DNA position 1533, C replaced by A.
Protein change: p.Tyr511Ter; replaces tyrosine 511 with a stop codon.
Molecular consequence: nonsense. On other transcripts: non-coding transcript variant (1), intron variant (1).
Genome position (GRCh38, 1-based): chr6:118,828,126, G>T on the plus strand (C>A on the coding strand, the complement: MCM9 is on the minus strand). VCF-style: chr6-118828126-G-T. GRCh37 (hg19) VCF-style: chr6-119149289-G-T.
Other names: c.1533C>A, p.Tyr511Ter (NM_001378356.1, NM_001378357.1, NM_001378359.1 and 1 more transcripts); c.1407C>A, p.Tyr469Ter (NM_001378366.1); c.1335C>A, p.Tyr445Ter (NM_001378367.1); c.1528+922C>A (NM_001378364.1); short protein forms Y511*, Y445*, Y469*.
Identifiers: ClinVar variation 156586 (VCV000156586.2), dbSNP rs587777873, ClinGen allele CA214510.
Genomic context (GRCh38, chr6:118,828,126, plus strand): 5'-TATGAGGCAGAAATAGGTTTTCATCTTTTCCATGCTCCAGAGCTTCTCTGATTTGCTTGG[G>T]TAACCTGTATGTATCAGGTGTTGGGTCAGTAAGTTCTTAGGACAGGCAAACATCTCATTT-3'